The following is an entry in ClinVar:

ClinVar aggregate classification (germline): Pathogenic (1 of 4 stars; one submission).

Conditions:
Early-infantile DEE. Also called: Early infantile epileptic encephalopathy; Early infantile epileptic encephalopathy with suppression bursts; Ohtahara syndrome. Identifiers: Orphanet 1934, MedGen C0393706, MONDO:0800491.

Submission:

Labcorp Genetics (formerly Invitae), Labcorp
Classification: Pathogenic for Early-infantile DEE. Last evaluated: 2024-03-12. Review status: criteria provided, single submitter. Criteria: Invitae Variant Classification Sherloc (09022015). Collection method: clinical testing. Allele origin: germline.
Comment: This sequence change replaces tyrosine, which is neutral and polar, with phenylalanine, which is neutral and non-polar, at codon 234 of the HCN1 protein (p.Tyr234Phe). This variant is not present in population databases (gnomAD no frequency). This missense change has been observed in individual(s) with HCN1-related conditions (Invitae). In at least one individual the variant was observed to be de novo. ClinVar contains an entry for this variant (Variation ID: 461375). Advanced modeling of protein sequence and biophysical properties (such as structural, functional, and spatial information, amino acid conservation, physicochemical variation, residue mobility, and thermodynamic stability) performed at Invitae indicates that this missense variant is expected to disrupt HCN1 protein function with a positive predictive value of 80%. For these reasons, this variant has been classified as Pathogenic.

NM_021072.4(HCN1):c.701A>T (p.Tyr234Phe)

Gene: HCN1 (hyperpolarization activated cyclic nucleotide gated potassium channel 1; minus strand). Cytogenetic location: 5p12.
Variant type: single nucleotide variant.
Coding change: c.701A>T on transcript NM_021072.4 (MANE Select); coding-DNA position 701, A replaced by T.
Protein change: p.Tyr234Phe; replaces tyrosine 234 with phenylalanine.
Molecular consequence: missense variant.
Genome position (GRCh38, 1-based): chr5:45,645,333, T>A on the plus strand (A>T on the coding strand, the complement: HCN1 is on the minus strand). VCF-style: chr5-45645333-T-A. GRCh37 (hg19) VCF-style: chr5-45645435-T-A.
Other names: short protein forms Y234F.
Identifiers: ClinVar variation 461375 (VCV000461375.11), dbSNP rs1554037381, ClinGen allele CA359707309.